The following is an entry in ClinVar:

NM_004086.3(COCH):c.1313G>A (p.Arg438His)

Genes: COCH (cochlin; plus strand), COCH-AS1 (COCH antisense RNA 1; minus strand). Cytogenetic location: 14q12.
Variant type: single nucleotide variant.
Coding change: c.1313G>A on transcript NM_004086.3 (MANE Select); coding-DNA position 1313, G replaced by A.
Protein change: p.Arg438His; replaces arginine 438 with histidine.
Molecular consequence: missense variant. On other transcripts: non-coding transcript variant (1).
Genome position (GRCh38, 1-based): chr14:30,886,148, G>A. VCF-style: chr14-30886148-G-A. GRCh37 (hg19) VCF-style: chr14-31355354-G-A.
Other names: c.1313G>A, p.Arg438His (NM_001135058.2); c.1508G>A, p.Arg503His (NM_001347720.2); short protein forms R438H, R503H.
Identifiers: ClinVar variation 681375 (VCV000681375.10), dbSNP rs746680829, ClinGen allele CA7143300.

ClinVar aggregate classification (germline): Conflicting classifications of pathogenicity. Review status: criteria provided, conflicting classifications (1 of 4 stars). 4 submissions from 4 submitters: Uncertain significance (3); Likely benign (1). Last evaluated 2026-01-21.

Allele frequency attached by ClinVar (database versions not stated): TOPMed 0.00003; ExAC 0.00004; gnomAD 0.00004; gnomAD exomes 0.00004 and 0.00008.
gnomAD v4.1: 56 of 1,611,712 alleles (0.0035%); highest among the groups gnomAD compares: East Asian, 0.031%; no homozygotes.

Submissions (4):

Women's Health and Genetics/Laboratory Corporation of America, LabCorp
Classification: Uncertain significance. Last evaluated: 2026-01-21. Review status: criteria provided, single submitter. Criteria: LabCorp Variant Classification Summary - May 2015. Collection method: clinical testing. Allele origin: germline.
Comment: Variant summary: COCH c.1313G>A (p.Arg438His) results in a non-conservative amino acid change in the encoded protein sequence. Algorithms developed to predict the effect of missense changes on protein structure and function all suggest that this variant is likely to be disruptive. The variant allele was found at a frequency of 7.6e-05 in 251096 control chromosomes. This frequency is not significantly higher than estimated for disease-causing variants in COCH, allowing no conclusion about variant significance. To our knowledge, no occurrence of c.1313G>A in individuals affected with COCH-related conditions and no experimental evidence demonstrating its impact on protein function have been reported. ClinVar contains an entry for this variant (Variation ID: 681375). Based on the evidence outlined above, the variant was classified as uncertain significance.

Labcorp Genetics (formerly Invitae), Labcorp
Classification: Uncertain significance. Last evaluated: 2021-09-27. Review status: criteria provided, single submitter. Criteria: Invitae Variant Classification Sherloc (09022015). Collection method: clinical testing. Allele origin: germline.
Comment: Algorithms developed to predict the effect of missense changes on protein structure and function are either unavailable or do not agree on the potential impact of this missense change (SIFT: "Deleterious"; PolyPhen-2: "Possibly Damaging"; Align-GVGD: "Class C0"). In summary, the available evidence is currently insufficient to determine the role of this variant in disease. Therefore, it has been classified as a Variant of Uncertain Significance. ClinVar contains an entry for this variant (Variation ID: 681375). This variant has not been reported in the literature in individuals affected with COCH-related conditions. This variant is present in population databases (rs746680829, ExAC 0.03%). This sequence change replaces arginine with histidine at codon 438 of the COCH protein (p.Arg438His). The arginine residue is highly conserved and there is a small physicochemical difference between arginine and histidine.

Blueprint Genetics
Classification: Uncertain significance. Last evaluated: 2020-12-11. Review status: criteria provided, single submitter. Criteria: ACMG Guidelines, 2015. Collection method: clinical testing. Allele origin: germline.

GeneDx
Classification: Likely benign. Last evaluated: 2019-12-19. Review status: criteria provided, single submitter. Criteria: GeneDx Variant Classification Process June 2021. Collection method: clinical testing. Allele origin: germline. Affected: yes.